The following is an entry in ClinVar:

ClinVar aggregate classification (germline): Uncertain significance (1 of 4 stars; one submission).

Submission:

Labcorp Genetics (formerly Invitae), Labcorp
Classification: Uncertain significance. Last evaluated: 2022-11-17. Review status: criteria provided, single submitter. Criteria: Invitae Variant Classification Sherloc (09022015). Collection method: clinical testing. Allele origin: germline.
Comment: Advanced modeling of protein sequence and biophysical properties (such as structural, functional, and spatial information, amino acid conservation, physicochemical variation, residue mobility, and thermodynamic stability) performed at Invitae indicates that this missense variant is not expected to disrupt POLE protein function. This variant has not been reported in the literature in individuals affected with POLE-related conditions. This variant is not present in population databases (gnomAD no frequency). This sequence change replaces serine, which is neutral and polar, with proline, which is neutral and non-polar, at codon 2173 of the POLE protein (p.Ser2173Pro). In summary, the available evidence is currently insufficient to determine the role of this variant in disease. Therefore, it has been classified as a Variant of Uncertain Significance.

NM_006231.4(POLE):c.6517T>C (p.Ser2173Pro)

Gene: POLE (DNA polymerase epsilon, catalytic subunit; minus strand). Cytogenetic location: 12q24.33.
Variant type: single nucleotide variant.
Coding change: c.6517T>C on transcript NM_006231.4 (MANE Select); coding-DNA position 6517, T replaced by C.
Protein change: p.Ser2173Pro; replaces serine 2173 with proline.
Molecular consequence: missense variant.
Genome position (GRCh38, 1-based): chr12:132,626,131, A>G on the plus strand (T>C on the coding strand, the complement: POLE is on the minus strand). VCF-style: chr12-132626131-A-G. GRCh37 (hg19) VCF-style: chr12-133202717-A-G.
Other names: short protein forms S2173P.
Identifiers: ClinVar variation 2013150 (VCV002013150.4), dbSNP rs2541840932, ClinGen allele CA387367139.